The following is an entry in ClinVar:

ClinVar aggregate classification (germline): Pathogenic (1 of 4 stars; one submission).

Conditions:
Glycogen storage disease due to muscle and heart glycogen synthase deficiency. Also called: GSD 0b; MUSCLE GLYCOGEN SYNTHASE DEFICIENCY. Identifiers: Orphanet 137625, MedGen C1969054, MONDO:0012693, OMIM 611556.

Submission:

Labcorp Genetics (formerly Invitae), Labcorp
Classification: Pathogenic for Glycogen storage disease due to muscle and heart glycogen synthase deficiency. Last evaluated: 2025-09-30. Review status: criteria provided, single submitter. Criteria: Invitae Variant Classification Sherloc (09022015). Collection method: clinical testing. Allele origin: germline.
Comment: This sequence change creates a premature translational stop signal (p.Pro67Alafs*98) in the GYS1 gene. It is expected to result in an absent or disrupted protein product. Loss-of-function variants in GYS1 are known to be pathogenic (PMID: 17928598, 19699667). This variant is not present in population databases (gnomAD no frequency). This variant has not been reported in the literature in individuals affected with GYS1-related conditions. For these reasons, this variant has been classified as Pathogenic.

Literature cited by the submitters: PubMed 17928598; PubMed 19699667.

NM_002103.5(GYS1):c.198dup (p.Pro67fs)

Gene: GYS1 (glycogen synthase 1; minus strand). Cytogenetic location: 19q13.33.
Variant type: Duplication.
Coding change: c.198dup on transcript NM_002103.5 (MANE Select); coding-DNA position 198, one base duplicated (G; older notation c.198dupG).
Protein change: p.Pro67fs; shifts the reading frame from proline 67.
Molecular consequence: frameshift variant.
Genome position (GRCh38, 1-based): chr19:48,991,404, C duplicated on the plus strand (G on the coding strand, the reverse complement: GYS1 is on the minus strand); the first of 4 consecutive C bases (chr19:48,991,404-48,991,407); duplicating any one gives the same sequence. VCF-style (leftmost placement, unchanged base first): chr19-48991403-G-GC. GRCh37 (hg19) VCF-style: chr19-49494660-G-GC.
Other names: c.198dup, p.Pro67fs (NM_001161587.2); short protein forms P67fs.
Identifiers: ClinVar variation 4761937 (VCV004761937.1).